The following is an entry in ClinVar:

NM_001010898.4(SLC6A17):c.2036_2062del (p.Lys679_Pro687del)

Gene: SLC6A17 (solute carrier family 6 member 17; plus strand). Cytogenetic location: 1p13.3.
Variant type: Deletion.
Coding change: c.2036_2062del on transcript NM_001010898.4 (MANE Select); coding-DNA positions 2036 to 2062, 27 bases deleted (AGGTGCCCAGTGAGGCACCTTCCCCCA).
Protein change: p.Lys679_Pro687del.
Molecular consequence: inframe deletion.
Genome position (GRCh38, 1-based): chr1:110,198,296-110,198,322, AGGTGCCCAGTGAGGCACCTTCCCCCA deleted; deleting any 27 consecutive bases within chr1:110,198,294-110,198,322 gives the same sequence; the c. name uses the placement nearest the transcript's 3' end. VCF-style (leftmost placement, unchanged base first): chr1-110198293-GCAAGGTGCCCAGTGAGGCACCTTCCCC-G. GRCh37 (hg19) VCF-style: chr1-110740915-GCAAGGTGCCCAGTGAGGCACCTTCCCC-G.
Identifiers: ClinVar variation 3345134 (VCV003345134.1).

ClinVar aggregate classification (germline): Uncertain significance (0 of 4 stars; one submission).

Conditions:
SLC6A17-related disorder. Also called: SLC6A17-related condition.

Submission:

PreventionGenetics, part of Exact Sciences
Classification: Uncertain significance for SLC6A17-related condition. Last evaluated: 2024-06-18. Review status: no assertion criteria provided. Collection method: clinical testing. Allele origin: germline.
Comment: The SLC6A17 c.2036_2062del27 variant is predicted to result in an in-frame deletion (p.Lys679_Pro687del). To our knowledge, this variant has not been reported in the literature or in a large population database, indicating this variant is rare. This variant is interpreted as no interpretation set.